The following is an entry in ClinVar:

NM_001868.4(CPA1):c.61G>C (p.Val21Leu)

Gene: CPA1 (carboxypeptidase A1; plus strand). Cytogenetic location: 7q32.2.
Variant type: single nucleotide variant.
Coding change: c.61G>C on transcript NM_001868.4 (MANE Select); coding-DNA position 61, G replaced by C.
Protein change: p.Val21Leu; replaces valine 21 with leucine.
Molecular consequence: missense variant.
Genome position (GRCh38, 1-based): chr7:130,380,581, G>C. VCF-style: chr7-130380581-G-C. GRCh37 (hg19) VCF-style: chr7-130020422-G-C.
Other names: short protein forms V21L.
Identifiers: ClinVar variation 3221836 (VCV003221836.1), dbSNP rs2536002915, ClinGen allele CA369279131.

ClinVar aggregate classification (germline): Uncertain significance (1 of 4 stars; one submission).

Conditions:
Hereditary pancreatitis (PCTT). Also called: Hereditary chronic pancreatitis; PRSS1-Related Hereditary Pancreatitis. Identifiers: Orphanet 676, MedGen C0238339, MONDO:0008185, OMIM 167800.

Submission:

Ambry Genetics
Classification: Uncertain significance for Hereditary pancreatitis. Last evaluated: 2024-03-02. Review status: criteria provided, single submitter. Criteria: Ambry Variant Classification Scheme 2023. Collection method: clinical testing. Allele origin: germline.
Comment: The p.V21L variant (also known as c.61G>C), located in coding exon 1 of the CPA1 gene, results from a G to C substitution at nucleotide position 61. The valine at codon 21 is replaced by leucine, an amino acid with highly similar properties. This amino acid position is conserved. In addition, this alteration is predicted to be tolerated by in silico analysis. Based on the available evidence, the clinical significance of this alteration remains unclear.